The following is an entry in ClinVar:

ClinVar aggregate classification (germline): Uncertain significance (1 of 4 stars; one submission).

Allele frequency attached by ClinVar (database versions not stated): gnomAD exomes below 0.00001; TOPMed below 0.00001; gnomAD 0.00001.
gnomAD v4.1: 2 of 1,613,158 alleles (0.00012%); highest among the groups gnomAD compares: Non-Finnish European, 0.00017%; no homozygotes.

Submission:

GeneDx
Classification: Uncertain significance. Last evaluated: 2021-06-07. Review status: criteria provided, single submitter. Criteria: GeneDx Variant Classification Process June 2021. Collection method: clinical testing. Allele origin: germline. Affected: yes.
Comment: Not observed at significant frequency in large population cohorts (Lek et al., 2016); In silico analysis supports that this missense variant has a deleterious effect on protein structure/function; Has not been previously published as pathogenic or benign to our knowledge; This variant is associated with the following publications: (PMID: 27535533)

NM_001089.3(ABCA3):c.4067C>T (p.Pro1356Leu)

Gene: ABCA3 (ATP binding cassette subfamily A member 3; minus strand). Cytogenetic location: 16p13.3.
Variant type: single nucleotide variant.
Coding change: c.4067C>T on transcript NM_001089.3 (MANE Select); coding-DNA position 4067, C replaced by T.
Protein change: p.Pro1356Leu; replaces proline 1356 with leucine.
Molecular consequence: missense variant.
Genome position (GRCh38, 1-based): chr16:2,281,478, G>A on the plus strand (C>T on the coding strand, the complement: ABCA3 is on the minus strand). VCF-style: chr16-2281478-G-A. GRCh37 (hg19) VCF-style: chr16-2331479-G-A.
Other names: short protein forms P1356L.
Identifiers: ClinVar variation 1327894 (VCV001327894.2), dbSNP rs2093655087, ClinGen allele CA394310499.